The following is an entry in ClinVar:

ClinVar aggregate classification (germline): Uncertain significance (1 of 4 stars; one submission).

Conditions:
LAMA2-related muscular dystrophy (LAMA2-RD). Also called: Laminin alpha 2-related dystrophy. Identifiers: MedGen C5679788, MONDO:0100228.

Submission:

Labcorp Genetics (formerly Invitae), Labcorp
Classification: Uncertain significance for LAMA2-related muscular dystrophy. Last evaluated: 2026-01-19. Review status: criteria provided, single submitter. Criteria: Invitae Variant Classification Sherloc (09022015). Collection method: clinical testing. Allele origin: germline.
Comment: This sequence change replaces proline, which is neutral and non-polar, with serine, which is neutral and polar, at codon 1472 of the LAMA2 protein (p.Pro1472Ser). This variant is not present in population databases (gnomAD no frequency). This variant has not been reported in the literature in individuals affected with LAMA2-related conditions. ClinVar contains an entry for this variant (Variation ID: 1714836). Invitae Evidence Modeling of protein sequence and biophysical properties (such as structural, functional, and spatial information, amino acid conservation, physicochemical variation, residue mobility, and thermodynamic stability) indicates that this missense variant is not expected to disrupt LAMA2 protein function with a negative predictive value of 95%. In summary, the available evidence is currently insufficient to determine the role of this variant in disease. Therefore, it has been classified as a Variant of Uncertain Significance.

NM_000426.4(LAMA2):c.4414C>T (p.Pro1472Ser)

Gene: LAMA2 (laminin subunit alpha 2; plus strand). Cytogenetic location: 6q22.33.
Variant type: single nucleotide variant.
Coding change: c.4414C>T on transcript NM_000426.4 (MANE Select); coding-DNA position 4414, C replaced by T.
Protein change: p.Pro1472Ser; replaces proline 1472 with serine.
Molecular consequence: missense variant.
Genome position (GRCh38, 1-based): chr6:129,342,445, C>T. VCF-style: chr6-129342445-C-T. GRCh37 (hg19) VCF-style: chr6-129663590-C-T.
Other names: c.4414C>T, p.Pro1472Ser (NM_001079823.2); short protein forms P1472S.
Identifiers: ClinVar variation 1714836 (VCV001714836.6), dbSNP rs2482532263, ClinGen allele CA365615508.
Genomic context (GRCh38, chr6:129,342,445, plus strand): 5'-GCTCTTGGATACTATGGAATTGTCAAGGGATTGCCAAATGACTGTCAGCAATGTGCCTGC[C>T]CTCTGATTTCTTCCAGTAACAAGTAAGATTGAGAAATATAACCATATTTCCCAATCAGAA-3'
Protein context (NP_000417.3, residues 1462-1482): LPNDCQQCAC[Pro1472Ser]LISSSNNFSP